The following is an entry in ClinVar:

ClinVar aggregate classification (germline): Uncertain significance. Review status: criteria provided, multiple submitters, no conflicts (2 of 4 stars). 2 submissions from 2 submitters: Uncertain significance (2). Last evaluated 2022-06-04.

Conditions:
Polycystic kidney disease 2 (PKD2). Also called: POLYCYSTIC KIDNEY DISEASE, ADULT, TYPE II; Polycystic Kidney Disease 2, Autosomal Dominant; POLYCYSTIC KIDNEY DISEASE 2 WITH OR WITHOUT POLYCYSTIC LIVER DISEASE. Identifiers: MedGen C2751306, MONDO:0013131, OMIM 613095.
Autosomal dominant polycystic kidney disease. Identifiers: Orphanet 730, MedGen C0085413, MONDO:0004691.

Allele frequency attached by ClinVar (database versions not stated): ExAC 0.00001.
gnomAD v4.1: 3 of 1,614,072 alleles (0.00019%); highest among the groups gnomAD compares: Non-Finnish European, 0.00025%; no homozygotes.

Submissions (2):

Labcorp Genetics (formerly Invitae), Labcorp
Classification: Uncertain significance for Autosomal dominant polycystic kidney disease. Last evaluated: 2022-06-04. Review status: criteria provided, single submitter. Criteria: Invitae Variant Classification Sherloc (09022015). Collection method: clinical testing. Allele origin: germline.
Comment: This variant is not present in population databases (gnomAD no frequency). This sequence change replaces alanine, which is neutral and non-polar, with serine, which is neutral and polar, at codon 421 of the PKD2 protein (p.Ala421Ser). This variant has not been reported in the literature in individuals affected with PKD2-related conditions. ClinVar contains an entry for this variant (Variation ID: 957537). Algorithms developed to predict the effect of missense changes on protein structure and function are either unavailable or do not agree on the potential impact of this missense change (SIFT: "Tolerated"; PolyPhen-2: "Probably Damaging"; Align-GVGD: "Class C0"). Algorithms developed to predict the effect of sequence changes on RNA splicing suggest that this variant may create or strengthen a splice site. In summary, the available evidence is currently insufficient to determine the role of this variant in disease. Therefore, it has been classified as a Variant of Uncertain Significance.

Fulgent Genetics
Classification: Uncertain significance for Polycystic kidney disease 2. Last evaluated: 2022-05-29. Review status: criteria provided, single submitter. Criteria: ACMG Guidelines, 2015. Collection method: clinical testing. Allele origin: unknown.

NM_000297.4(PKD2):c.1261G>T (p.Ala421Ser)

Gene: PKD2 (polycystin 2, transient receptor potential cation channel; plus strand). Cytogenetic location: 4q22.1.
Variant type: single nucleotide variant.
Coding change: c.1261G>T on transcript NM_000297.4 (MANE Select); coding-DNA position 1261, G replaced by T.
Protein change: p.Ala421Ser; replaces alanine 421 with serine.
Molecular consequence: missense variant. On other transcripts: non-coding transcript variant (1).
Genome position (GRCh38, 1-based): chr4:88,043,399, G>T. VCF-style: chr4-88043399-G-T. GRCh37 (hg19) VCF-style: chr4-88964551-G-T.
Other names: short protein forms A421S.
Identifiers: ClinVar variation 957537 (VCV000957537.11), dbSNP rs748280556, ClinGen allele CA3003911.